The following is an entry in ClinVar:

ClinVar aggregate classification (germline): Uncertain significance. Review status: criteria provided, multiple submitters, no conflicts (2 of 4 stars). 2 submissions from 2 submitters: Uncertain significance (2). Last evaluated 2025-07-21.

Conditions:
Pyruvate dehydrogenase E3-binding protein deficiency (PDHXD). Also called: E3-Binding Protein (Component X) Deficiency; LACTIC ACIDEMIA DUE TO DEFECT IN LIPOYL-CONTAINING COMPONENT X OF THE PYRUVATE DEHYDROGENASE COMPLEX; Lacticacidemia due to PDX1 deficiency; PYRUVATE HYDROGENASE E3-BINDING PROTEIN DEFICIENCY. Identifiers: Orphanet 255182, MedGen C1855553, MONDO:0009503, OMIM 245349.

Allele frequency attached by ClinVar (database versions not stated): ExAC 0.00002; gnomAD 0.00002; gnomAD exomes 0.00003 and 0.00006; TOPMed 0.00003.

Submissions (2):

Labcorp Genetics (formerly Invitae), Labcorp
Classification: Uncertain significance. Last evaluated: 2025-07-21. Review status: criteria provided, single submitter. Criteria: Invitae Variant Classification Sherloc (09022015). Collection method: clinical testing. Allele origin: germline.
Comment: This sequence change replaces valine, which is neutral and non-polar, with isoleucine, which is neutral and non-polar, at codon 171 of the PDHX protein (p.Val171Ile). This variant is present in population databases (rs142256229, gnomAD 0.007%). This variant has not been reported in the literature in individuals affected with PDHX-related conditions. ClinVar contains an entry for this variant (Variation ID: 304465). Invitae Evidence Modeling of protein sequence and biophysical properties (such as structural, functional, and spatial information, amino acid conservation, physicochemical variation, residue mobility, and thermodynamic stability) indicates that this missense variant is not expected to disrupt PDHX protein function with a negative predictive value of 80%. In summary, the available evidence is currently insufficient to determine the role of this variant in disease. Therefore, it has been classified as a Variant of Uncertain Significance.

Illumina Laboratory Services, Illumina
Classification: Uncertain significance for Pyruvate dehydrogenase E3-binding protein deficiency. Last evaluated: 2018-01-13. Review status: criteria provided, single submitter. Criteria: ICSL Variant Classification Criteria 13 December 2019. Collection method: clinical testing. Allele origin: germline.

NM_003477.3(PDHX):c.511G>A (p.Val171Ile)

Gene: PDHX (pyruvate dehydrogenase complex component X; plus strand). Cytogenetic location: 11p13.
Variant type: single nucleotide variant.
Coding change: c.511G>A on transcript NM_003477.3 (MANE Select); coding-DNA position 511, G replaced by A.
Protein change: p.Val171Ile; replaces valine 171 with isoleucine.
Molecular consequence: missense variant. On other transcripts: intron variant (1).
Genome position (GRCh38, 1-based): chr11:34,957,552, G>A. VCF-style: chr11-34957552-G-A. GRCh37 (hg19) VCF-style: chr11-34979099-G-A.
Other names: c.331G>A, p.Val111Ile (NM_001135024.2); c.342+9946G>A (NM_001166158.2); short protein forms V171I, V111I.
Identifiers: ClinVar variation 304465 (VCV000304465.7), dbSNP rs142256229, ClinGen allele CA5945882.
Genomic context (GRCh38, chr11:34,957,552, plus strand): 5'-CCACCAGTTTCAAAACCTTCAGAGCCTCGCCCCTCACCAGAACCACAGATTTCCATCCCT[G>A]TCAAGAAGGAACACATACCCGGGACACTACGGTGAGTATATATTTATTCAAAGGATGATG-3'
Protein context (NP_003468.2, residues 161-181): PSPEPQISIP[Val171Ile]KKEHIPGTLR